The following is an entry in ClinVar:

NM_006343.3(MERTK):c.824dup (p.Val276fs)

Gene: MERTK (MER proto-oncogene, tyrosine kinase; plus strand). Cytogenetic location: 2q13.
Variant type: Duplication.
Coding change: c.824dup on transcript NM_006343.3 (MANE Select); coding-DNA position 824, one base duplicated (G; older notation c.824dupG).
Protein change: p.Val276fs; shifts the reading frame from valine 276.
Molecular consequence: frameshift variant.
Genome position (GRCh38, 1-based): chr2:111,965,257, G duplicated; the last of 3 consecutive G bases (chr2:111,965,255-111,965,257); duplicating any one gives the same sequence. VCF-style (leftmost placement, unchanged base first): chr2-111965254-A-AG. GRCh37 (hg19) VCF-style: chr2-112722831-A-AG.
Other names: short protein forms V276fs.
Identifiers: ClinVar variation 3679526 (VCV003679526.2).

ClinVar aggregate classification (germline): Pathogenic (1 of 4 stars; one submission).

Submission:

Labcorp Genetics (formerly Invitae), Labcorp
Classification: Pathogenic. Last evaluated: 2024-04-05. Review status: criteria provided, single submitter. Criteria: Invitae Variant Classification Sherloc (09022015). Collection method: clinical testing. Allele origin: germline.
Comment: This sequence change creates a premature translational stop signal (p.Val276Serfs*14) in the MERTK gene. It is expected to result in an absent or disrupted protein product. Loss-of-function variants in MERTK are known to be pathogenic (PMID: 24265693, 29659094). This variant is not present in population databases (gnomAD no frequency). This variant has not been reported in the literature in individuals affected with MERTK-related conditions. For these reasons, this variant has been classified as Pathogenic.

Literature cited by the submitters: PubMed 24265693; PubMed 29659094.